The following is an entry in ClinVar:

NM_001365951.3(KIF1B):c.5314A>G (p.Thr1772Ala)

Gene: KIF1B (kinesin family member 1B; plus strand). Cytogenetic location: 1p36.22.
Variant type: single nucleotide variant.
Coding change: c.5314A>G on transcript NM_001365951.3 (MANE Select); coding-DNA position 5314, A replaced by G.
Protein change: p.Thr1772Ala; replaces threonine 1772 with alanine.
Molecular consequence: missense variant.
Genome position (GRCh38, 1-based): chr1:10,375,279, A>G. VCF-style: chr1-10375279-A-G. GRCh37 (hg19) VCF-style: chr1-10435337-A-G.
Other names: c.5314A>G, p.Thr1772Ala (NM_001365952.1); c.5176A>G, p.Thr1726Ala (NM_015074.3); short protein forms T1772A, T1726A.
Identifiers: ClinVar variation 4043082 (VCV004043082.1).

ClinVar aggregate classification (germline): Uncertain significance (1 of 4 stars; one submission).

Submission:

Ambry Genetics
Classification: Uncertain significance. Last evaluated: 2025-03-25. Review status: criteria provided, single submitter. Criteria: Ambry Variant Classification Scheme 2023. Collection method: clinical testing. Allele origin: germline.
Comment: The p.T1726A variant (also known as c.5176A>G), located in coding exon 45 of the KIF1B gene, results from an A to G substitution at nucleotide position 5176. The threonine at codon 1726 is replaced by alanine, an amino acid with similar properties. This amino acid position is conserved. In addition, the in silico prediction for this alteration is inconclusive. Based on the available evidence, the clinical significance of this variant remains unclear.